The following is an entry in ClinVar:

NM_022552.5(DNMT3A):c.2429A>G (p.Asn810Ser)

Gene: DNMT3A (DNA methyltransferase 3 alpha; minus strand). Cytogenetic location: 2p23.3.
Variant type: single nucleotide variant.
Coding change: c.2429A>G on transcript NM_022552.5 (MANE Select); coding-DNA position 2429, A replaced by G.
Protein change: p.Asn810Ser; replaces asparagine 810 with serine.
Molecular consequence: missense variant. On other transcripts: non-coding transcript variant (1).
Genome position (GRCh38, 1-based): chr2:25,236,985, T>C on the plus strand (A>G on the coding strand, the complement: DNMT3A is on the minus strand). VCF-style: chr2-25236985-T-C. GRCh37 (hg19) VCF-style: chr2-25459854-T-C.
Other names: c.1862A>G, p.Asn621Ser (NM_153759.3); c.2429A>G, p.Asn810Ser (NM_175629.2); c.1973A>G, p.Asn658Ser (NM_001320893.1); c.1760A>G, p.Asn587Ser (NM_001375819.1); short protein forms N621S, N810S, N587S, N658S.
Identifiers: ClinVar variation 4617773 (VCV004617773.1).

ClinVar aggregate classification (germline): Uncertain significance (1 of 4 stars; one submission).

Conditions:
Inborn genetic diseases. Identifiers: MedGen C0950123, MeSH D030342.

Submission:

Ambry Genetics
Classification: Uncertain significance for Inborn genetic diseases. Last evaluated: 2025-10-29. Review status: criteria provided, single submitter. Criteria: Ambry Variant Classification Scheme 2023. Collection method: clinical testing. Allele origin: germline.
Comment: The p.N810S variant (also known as c.2429A>G), located in coding exon 20 of the DNMT3A gene, results from an A to G substitution at nucleotide position 2429. The asparagine at codon 810 is replaced by serine, an amino acid with highly similar properties. This amino acid position is conserved. In addition, this alteration is predicted to be tolerated by in silico analysis. Based on the available evidence, the clinical significance of this variant remains unclear.